The following is an entry in ClinVar:

ClinVar aggregate classification (germline): Uncertain significance (1 of 4 stars; one submission).

Conditions:
Baller-Gerold syndrome (BGS). Also called: CRANIOSYNOSTOSIS WITH RADIAL DEFECTS. Identifiers: Orphanet 1225, MedGen C0265308, MONDO:0009039, OMIM 218600.

Submission:

Labcorp Genetics (formerly Invitae), Labcorp
Classification: Uncertain significance for Baller-Gerold syndrome. Last evaluated: 2022-06-16. Review status: criteria provided, single submitter. Criteria: Invitae Variant Classification Sherloc (09022015). Collection method: clinical testing. Allele origin: germline.
Comment: In summary, the available evidence is currently insufficient to determine the role of this variant in disease. Therefore, it has been classified as a Variant of Uncertain Significance. Variants that disrupt the consensus splice site are a relatively common cause of aberrant splicing (PMID: 17576681, 9536098). This variant has not been reported in the literature in individuals affected with RECQL4-related conditions. This variant is not present in population databases (gnomAD no frequency). This sequence change falls in intron 1 of the RECQL4 gene. It does not directly change the encoded amino acid sequence of the RECQL4 protein. It affects a nucleotide within the consensus splice site.

Literature cited by the submitters: PubMed 17576681; PubMed 9536098.

NM_004260.4(RECQL4):c.84+4C>A

Genes: RECQL4 (RecQ like helicase 4; minus strand), LOC130001411 (ATAC-STARR-seq lymphoblastoid silent region 19699; plus strand). Cytogenetic location: 8q24.3.
Variant type: single nucleotide variant.
Coding change: c.84+4C>A on transcript NM_004260.4 (MANE Select); 4 bases into the intron after coding-DNA position 84, C replaced by A.
Molecular consequence: intron variant.
Genome position (GRCh38, 1-based): chr8:144,517,697, G>T on the plus strand (C>A on the coding strand, the complement: RECQL4 is on the minus strand). VCF-style: chr8-144517697-G-T. GRCh37 (hg19) VCF-style: chr8-145743081-G-T.
Other names: c.-698C>A (NM_001413021.1); c.-1049C>A (NM_001413022.1, NM_001413023.1, NM_001413037.1 and 2 more transcripts); c.-946C>A (NM_001413024.1); c.-774C>A (NM_001413028.1); c.-1111C>A (NM_001413030.1, NM_001413031.1, NM_001413041.1); c.-953C>A (NM_001413034.1); c.-954C>A (NM_001413040.1); c.-1318C>A (NM_001413043.1).
Identifiers: ClinVar variation 1968628 (VCV001968628.5), dbSNP rs1409394032, ClinGen allele CA1826370089.